The following is an entry in ClinVar:

ClinVar aggregate classification (germline): Uncertain significance (1 of 4 stars; one submission).

Conditions:
Familial hemiplegic migraine. Identifiers: MedGen C0338484, MONDO:0000700.

Submission:

Labcorp Genetics (formerly Invitae), Labcorp
Classification: Uncertain significance for Familial hemiplegic migraine. Last evaluated: 2024-10-16. Review status: criteria provided, single submitter. Criteria: Invitae Variant Classification Sherloc (09022015). Collection method: clinical testing. Allele origin: germline.
Comment: This sequence change replaces methionine, which is neutral and non-polar, with threonine, which is neutral and polar, at codon 162 of the ATP1A2 protein (p.Met162Thr). This variant is not present in population databases (gnomAD no frequency). This missense change has been observed in individual(s) with hemiplegic migraine (PMID: 27226003). Invitae Evidence Modeling of protein sequence and biophysical properties (such as structural, functional, and spatial information, amino acid conservation, physicochemical variation, residue mobility, and thermodynamic stability) indicates that this missense variant is not expected to disrupt ATP1A2 protein function with a negative predictive value of 80%. In summary, the available evidence is currently insufficient to determine the role of this variant in disease. Therefore, it has been classified as a Variant of Uncertain Significance.

Literature cited by the submitters: PubMed 27226003.

NM_000702.4(ATP1A2):c.485T>C (p.Met162Thr)

Gene: ATP1A2 (ATPase Na+/K+ transporting subunit alpha 2; plus strand). Cytogenetic location: 1q23.2.
Variant type: single nucleotide variant.
Coding change: c.485T>C on transcript NM_000702.4 (MANE Select); coding-DNA position 485, T replaced by C.
Protein change: p.Met162Thr; replaces methionine 162 with threonine.
Molecular consequence: missense variant.
Genome position (GRCh38, 1-based): chr1:160,124,046, T>C. VCF-style: chr1-160124046-T-C. GRCh37 (hg19) VCF-style: chr1-160093836-T-C.
Other names: short protein forms M162T.
Identifiers: ClinVar variation 3665861 (VCV003665861.2).